The following is an entry in ClinVar:

NM_001134407.3(GRIN2A):c.1844A>G (p.Asn615Ser)

Gene: GRIN2A (glutamate ionotropic receptor NMDA type subunit 2A; minus strand). Cytogenetic location: 16p13.2.
Variant type: single nucleotide variant.
Coding change: c.1844A>G on transcript NM_001134407.3 (MANE Select); coding-DNA position 1844, A replaced by G.
Protein change: p.Asn615Ser; replaces asparagine 615 with serine.
Molecular consequence: missense variant.
Genome position (GRCh38, 1-based): chr16:9,829,586, T>C on the plus strand (A>G on the coding strand, the complement: GRIN2A is on the minus strand). VCF-style: chr16-9829586-T-C. GRCh37 (hg19) VCF-style: chr16-9923443-T-C.
Other names: c.1844A>G, p.Asn615Ser (NM_000833.5, NM_001134408.2); short protein forms N615S.
Identifiers: ClinVar variation 2610446 (VCV002610446.2), dbSNP rs2506111835, ClinGen allele CA394799710.

ClinVar aggregate classification (germline): Likely pathogenic (1 of 4 stars; one submission).

Conditions:
Inborn genetic diseases. Identifiers: MedGen C0950123, MeSH D030342.

Submission:

Ambry Genetics
Classification: Likely pathogenic for Inborn genetic diseases. Last evaluated: 2023-08-18. Review status: criteria provided, single submitter. Criteria: Ambry Variant Classification Scheme 2023. Collection method: clinical testing. Allele origin: germline.
Comment: The c.1844A>G (p.N615S) alteration is located in exon 10 (coding exon 8) of the GRIN2A gene. This alteration results from an A to G substitution at nucleotide position 1844, causing the asparagine (N) at amino acid position 615 to be replaced by a serine (S). This variant was not reported in population-based cohorts in the Genome Aggregation Database (gnomAD). This amino acid position is highly conserved in available vertebrate species. This missense alteration is located in a region that has a low rate of benign missense variation (Lek, 2016; Firth, 2009). Based on internal structural analysis, N615S disrupts a dual-asparagine ion selectivity filter in GRIN2A (Wollmuth, 1996; Wollmuth, 1998; Wollmuth, 1998; Wang, 2021). In vivo and in vitro functional studies indicate this alteration attenuates Mg2+ block, alters channel function, and results in an increased susceptibility to audiogenic seizures in knock-in mouse models (Bertocchi, 2021; Wollmuth, 1996; Wollmuth, 1998; Wollmuth, 1998). This alteration is predicted to be tolerated by in silico analysis. Based on the available evidence, this alteration is classified as likely pathogenic.

Literature cited by the submitters: PubMed 8815211; PubMed 9481670; PubMed 9481671; PubMed 20890276; PubMed 33420383; PubMed 34186027.